The following is an entry in ClinVar:

NM_001673.5(ASNS):c.1132C>T (p.His378Tyr)

Genes: ASNS (asparagine synthetase (glutamine-hydrolyzing); minus strand), CZ1P-ASNS (CZ1P-ASNS readthrough; minus strand). Cytogenetic location: 7q21.3.
Variant type: single nucleotide variant.
Coding change: c.1132C>T on transcript NM_001673.5 (MANE Select); coding-DNA position 1132, C replaced by T.
Protein change: p.His378Tyr; replaces histidine 378 with tyrosine.
Molecular consequence: missense variant. On other transcripts: non-coding transcript variant (1).
Genome position (GRCh38, 1-based): chr7:97,855,358, G>A on the plus strand (C>T on the coding strand, the complement: ASNS is on the minus strand). VCF-style: chr7-97855358-G-A. GRCh37 (hg19) VCF-style: chr7-97484670-G-A.
Other names: c.1069C>T, p.His357Tyr (NM_001178075.2); c.883C>T, p.His295Tyr (NM_001178076.2, NM_001178077.1); c.1132C>T, p.His378Tyr (NM_001352496.2, NM_133436.3, NM_183356.4); short protein forms H295Y, H357Y, H378Y.
Identifiers: ClinVar variation 1722974 (VCV001722974.4), dbSNP rs1378661890, ClinGen allele CA368265555.
Genomic context (GRCh38, chr7:97,855,358, plus strand): 5'-CAATTCATACTTTTCTTAATATAGCATGAATATCCCTCCACTTCAGAGTGGTTACCTTGT[G>A]AAAATATATGTAACCCTGCGTAAGTTCATCTGATCCTTCTCCAGAGAAGATCACCACGCT-3'
Protein context (NP_001664.3, residues 368-388): DELTQGYIYF[His378Tyr]KAPSPEKAEE

ClinVar aggregate classification (germline): Uncertain significance (1 of 4 stars; one submission).

Submission:

GeneDx
Classification: Uncertain significance. Last evaluated: 2026-09-25. Review status: criteria provided, single submitter. Criteria: GeneDx Variant Classification Process June 2021. Collection method: clinical testing. Allele origin: germline.
Comment: Not observed at significant frequency in large population cohorts (gnomAD); In silico analysis supports that this missense variant has a deleterious effect on protein structure/function; Has not been previously published as pathogenic or benign to our knowledge